The following is an entry in ClinVar:

NM_016373.4(WWOX):c.333del (p.Thr112fs)

Gene: WWOX (WW domain containing oxidoreductase; plus strand). Cytogenetic location: 16q23.1.
Variant type: Deletion.
Coding change: c.333del on transcript NM_016373.4 (MANE Select); coding-DNA position 333, one base deleted (C; older notation c.333delC).
Protein change: p.Thr112fs; shifts the reading frame from threonine 112.
Molecular consequence: frameshift variant. On other transcripts: 5 prime UTR variant (1), non-coding transcript variant (1).
Genome position (GRCh38, 1-based): chr16:78,115,078, C deleted; the last of 2 consecutive C bases (chr16:78,115,077-78,115,078); deleting either gives the same sequence. VCF-style (leftmost placement, unchanged base first): chr16-78115076-AC-A. GRCh37 (hg19) VCF-style: chr16-78148973-AC-A.
Other names: c.-7del (NM_001291997.2); c.333del, p.Thr112fs (NM_130791.5); short protein forms T112fs.
Identifiers: ClinVar variation 1452002 (VCV001452002.6), dbSNP rs2151674791, ClinGen allele CA2573152715.

ClinVar aggregate classification (germline): Pathogenic (1 of 4 stars; one submission).

Conditions:
Developmental and epileptic encephalopathy, 1 (DEE1). Also called: X-linked infantile spasms; West's syndrome; Tonic spasms with clustering, arrest of psychomotor development and hypsarrhythmia on EEG; X-Linked Infantile Spasm Syndrome; OHTAHARA SYNDROME, X-LINKED; Epileptic encephalopathy, early infantile, 1. Identifiers: MedGen C3463992, MONDO:0010632, OMIM 308350. Disease mechanism: loss of function.
Autosomal recessive spinocerebellar ataxia 12. Also called: SPINOCEREBELLAR ATAXIA WITH MENTAL RETARDATION AND EPILEPSY. Identifiers: Orphanet 284282, MedGen C3280452, MONDO:0013687, OMIM 614322.

Submission:

Labcorp Genetics (formerly Invitae), Labcorp
Classification: Pathogenic for Developmental and epileptic encephalopathy, 1; Autosomal recessive spinocerebellar ataxia 12. Last evaluated: 2022-09-27. Review status: criteria provided, single submitter. Criteria: Invitae Variant Classification Sherloc (09022015). Collection method: clinical testing. Allele origin: germline.
Comment: For these reasons, this variant has been classified as Pathogenic. This sequence change creates a premature translational stop signal (p.Thr112Leufs*25) in the WWOX gene. It is expected to result in an absent or disrupted protein product. Loss-of-function variants in WWOX are known to be pathogenic (PMID: 24456803, 25411445). This variant is not present in population databases (gnomAD no frequency). This variant has not been reported in the literature in individuals affected with WWOX-related conditions. ClinVar contains an entry for this variant (Variation ID: 1452002).

Literature cited by the submitters: PubMed 24456803; PubMed 25411445.